The following is an entry in ClinVar:

NM_000090.4(COL3A1):c.1844G>A (p.Gly615Glu)

Gene: COL3A1 (collagen type III alpha 1 chain; plus strand). Cytogenetic location: 2q32.2.
Variant type: single nucleotide variant.
Coding change: c.1844G>A on transcript NM_000090.4 (MANE Select); coding-DNA position 1844, G replaced by A.
Protein change: p.Gly615Glu; replaces glycine 615 with glutamic acid.
Molecular consequence: missense variant.
Genome position (GRCh38, 1-based): chr2:188,997,364, G>A. VCF-style: chr2-188997364-G-A. GRCh37 (hg19) VCF-style: chr2-189862090-G-A.
Identifiers: ClinVar variation 101366 (VCV000101366.3), dbSNP rs587779634, ClinGen allele CA004607.

ClinVar aggregate classification (germline): Pathogenic. Review status: criteria provided, single submitter (1 of 4 stars). 2 submissions from 2 submitters: Pathogenic (1). 1 of the submissions does not count toward it. Last evaluated 2019-06-14.

Conditions:
Ehlers-Danlos syndrome, type 4 (EDSVASC). Also called: Ehlers-Danlos syndrome vascular type; Ehlers Danlos syndrome, ecchymotic type; Ehlers Danlos syndrome, arterial type; Ehlers Danlos syndrome, Sack-Barabas type; Ehlers-Danlos Syndrome Type IV. Identifiers: Orphanet 286, MedGen C0268338, MONDO:0017314, OMIM 130050.

Submissions (2):

Labcorp Genetics (formerly Invitae), Labcorp
Classification: Pathogenic for Ehlers-Danlos syndrome, type 4. Last evaluated: 2019-06-14. Review status: criteria provided, single submitter. Criteria: Invitae Variant Classification Sherloc (09022015). Collection method: clinical testing. Allele origin: germline.
Comment: This sequence change replaces glycine with glutamic acid at codon 615 of the COL3A1 protein (p.Gly615Glu). The glycine residue is highly conserved and there is a moderate physicochemical difference between glycine and glutamic acid. This variant is not present in population databases (ExAC no frequency). This variant has been observed in individuals with clinical features of Ehlers-Danlos syndrome, vascular type (PMID: 17251678, Invitae). ClinVar contains an entry for this variant (Variation ID: 101366). This variant is also described as p.Gly448Glu in the literature. Glycine residues within the Gly-Xaa-Yaa repeats of the triple helix domain are required for the structure and stability of fibrillar collagens (PMID: 7695699, 8218237, 19344236). In COL3A1, variants that affect these glycine residues are significantly enriched in individuals with disease (PMID: 24922459, 25758994) compared to the general population (ExAC). For these reasons, this variant has been classified as Pathogenic.

Collagen Diagnostic Laboratory, University of Washington
Classification: Pathogenic for Ehlers-Danlos syndrome, type 4. Review status: no assertion criteria provided. Collection method: clinical testing. Allele origin: germline. Affected: yes. Not counted in ClinVar's aggregate classification.

Literature cited by the submitters: PubMed 17251678 (cited by Labcorp Genetics (formerly Invitae), Labcorp); PubMed 19344236 (cited by Labcorp Genetics (formerly Invitae), Labcorp); PubMed 25758994 (cited by Labcorp Genetics (formerly Invitae), Labcorp); PubMed 24922459 (cited by Labcorp Genetics (formerly Invitae), Labcorp); PubMed 8218237 (cited by Labcorp Genetics (formerly Invitae), Labcorp); PubMed 7695699 (cited by Labcorp Genetics (formerly Invitae), Labcorp).